The following is an entry in ClinVar:

NM_001197104.2(KMT2A):c.5603dup (p.Gly1869fs)

Gene: KMT2A (lysine methyltransferase 2A; plus strand). Cytogenetic location: 11q23.3.
Variant type: Duplication.
Coding change: c.5603dup on transcript NM_001197104.2 (MANE Select); coding-DNA position 5603, one base duplicated (C; older notation c.5603dupC).
Protein change: p.Gly1869fs; shifts the reading frame from glycine 1869.
Molecular consequence: frameshift variant.
Genome position (GRCh38, 1-based): chr11:118,496,306, C duplicated; the last of 5 consecutive C bases (chr11:118,496,302-118,496,306); duplicating any one gives the same sequence. VCF-style (leftmost placement, unchanged base first): chr11-118496301-A-AC. GRCh37 (hg19) VCF-style: chr11-118367016-A-AC.
Other names: c.5693dup, p.Gly1899fs (NM_001412597.1); c.5594dup, p.Gly1866fs (NM_005933.4); short protein forms G1866fs, G1869fs, G1899fs.
Identifiers: ClinVar variation 5007789 (VCV005007789.2).

ClinVar aggregate classification (germline): Likely pathogenic (1 of 4 stars; one submission).

Conditions:
Wiedemann-Steiner syndrome (WDSTS). Also called: Growth deficiency and mental retardation with facial dysmorphism. Identifiers: Orphanet 319182, MedGen C1854630, MONDO:0011518, OMIM 605130.

Submission:

Juno Genomics, Hangzhou Juno Genomics, Inc
Classification: Likely pathogenic for Wiedemann-Steiner syndrome. Review status: criteria provided, single submitter. Criteria: ACMG Guidelines, 2015. Collection method: clinical testing. Allele origin: germline.
Comment: Null variant in a gene where loss of function (LOF) is a known mechanism of disease.;Absent from controls (or at extremely low frequency if recessive) in Genome Aggregation Database.